The following is an entry in ClinVar:

ClinVar aggregate classification (germline): Uncertain significance (1 of 4 stars; one submission).

Submission:

GeneDx
Classification: Uncertain significance. Last evaluated: 2024-03-25. Review status: criteria provided, single submitter. Criteria: GeneDx Variant Classification Process June 2021. Collection method: clinical testing. Allele origin: germline.
Comment: Not observed at significant frequency in large population cohorts (gnomAD); In silico analysis supports that this missense variant has a deleterious effect on protein structure/function; Has not been previously published as pathogenic or benign to our knowledge

NM_181552.4(CUX1):c.3374A>C (p.Glu1125Ala)

Gene: CUX1 (cut like homeobox 1; plus strand). Cytogenetic location: 7q22.1.
Variant type: single nucleotide variant.
Coding change: c.3374A>C on transcript NM_181552.4 (MANE Select); coding-DNA position 3374, A replaced by C.
Protein change: p.Glu1125Ala; replaces glutamic acid 1125 with alanine.
Molecular consequence: missense variant. On other transcripts: intron variant (5).
Genome position (GRCh38, 1-based): chr7:102,227,610, A>C. VCF-style: chr7-102227610-A-C. GRCh37 (hg19) VCF-style: chr7-101870890-A-C.
Other names: c.3407A>C, p.Glu1136Ala (NM_001202543.2); c.1255+32007A>C (NM_001913.5); c.1249+32007A>C (NM_181500.4); c.1117+32007A>C (NM_001202545.3); c.1207+32007A>C (NM_001202544.3); c.1138+32007A>C (NM_001202546.3); short protein forms E1125A, E1136A.
Identifiers: ClinVar variation 2580500 (VCV002580500.2), dbSNP rs1554529108, ClinGen allele CA368695144.